The following is an entry in ClinVar:

ClinVar aggregate classification (germline): Uncertain significance (1 of 4 stars; one submission).

Conditions:
Duchenne muscular dystrophy (DMD). Also called: MUSCULAR DYSTROPHY, PSEUDOHYPERTROPHIC PROGRESSIVE, DUCHENNE TYPE; Duchenne Muscular Dystrophy (DMD). Identifiers: Orphanet 98896, MedGen C0013264, MONDO:0010679, OMIM 310200.

Allele frequency attached by ClinVar (database versions not stated): gnomAD exomes below 0.00001.
gnomAD v4.1: 4 of 1,210,700 alleles (0.00033%); highest among the groups gnomAD compares: East Asian, 0.003%; no homozygotes.

Submission:

Labcorp Genetics (formerly Invitae), Labcorp
Classification: Uncertain significance for Duchenne muscular dystrophy. Last evaluated: 2022-04-11. Review status: criteria provided, single submitter. Criteria: Invitae Variant Classification Sherloc (09022015). Collection method: clinical testing. Allele origin: germline.
Comment: This sequence change replaces histidine, which is basic and polar, with arginine, which is basic and polar, at codon 265 of the DMD protein (p.His265Arg). This variant is present in population databases (no rsID available, gnomAD 0.008%). This variant has not been reported in the literature in individuals affected with DMD-related conditions. Algorithms developed to predict the effect of missense changes on protein structure and function are either unavailable or do not agree on the potential impact of this missense change (SIFT: "Tolerated"; PolyPhen-2: "Possibly Damaging"; Align-GVGD: "Class C0"). In summary, the available evidence is currently insufficient to determine the role of this variant in disease. Therefore, it has been classified as a Variant of Uncertain Significance.

NM_004006.3(DMD):c.794A>G (p.His265Arg)

Gene: DMD (dystrophin; minus strand). Cytogenetic location: Xp21.1.
Variant type: single nucleotide variant.
Coding change: c.794A>G on transcript NM_004006.3 (MANE Select); coding-DNA position 794, A replaced by G.
Protein change: p.His265Arg; replaces histidine 265 with arginine.
Molecular consequence: missense variant.
Genome position (GRCh38, 1-based): chrX:32,699,149, T>C on the plus strand (A>G on the coding strand, the complement: DMD is on the minus strand). VCF-style: chrX-32699149-T-C. GRCh37 (hg19) VCF-style: chrX-32717266-T-C.
Other names: c.770A>G, p.His257Arg (NM_000109.4); c.782A>G, p.His261Arg (NM_004009.3); c.425A>G, p.His142Arg (NM_004010.3); short protein forms H261R, H257R, H142R, H265R.
Identifiers: ClinVar variation 2179117 (VCV002179117.1), dbSNP rs1438501472, ClinGen allele CA412668865.